The following is an entry in ClinVar:

ClinVar aggregate classification (germline): Uncertain significance (1 of 4 stars; one submission).

Allele frequency attached by ClinVar (database versions not stated): gnomAD exomes below 0.00001; gnomAD 0.00001.
gnomAD v4.1: 4 of 1,209,187 alleles (0.00033%); highest among the groups gnomAD compares: East Asian, 0.003%; no homozygotes.

Submission:

Labcorp Genetics (formerly Invitae), Labcorp
Classification: Uncertain significance. Last evaluated: 2023-08-08. Review status: criteria provided, single submitter. Criteria: Invitae Variant Classification Sherloc (09022015). Collection method: clinical testing. Allele origin: germline.
Comment: This variant has not been reported in the literature in individuals affected with CACNA1F-related conditions. This sequence change replaces threonine, which is neutral and polar, with isoleucine, which is neutral and non-polar, at codon 1822 of the CACNA1F protein (p.Thr1822Ile). This variant is present in population databases (no rsID available, gnomAD 0.001%). An algorithm developed to predict the effect of missense changes on protein structure and function (PolyPhen-2) suggests that this variant is likely to be tolerated. In summary, the available evidence is currently insufficient to determine the role of this variant in disease. Therefore, it has been classified as a Variant of Uncertain Significance.

NM_001256789.3(CACNA1F):c.5432C>T (p.Thr1811Ile)

Gene: CACNA1F (calcium voltage-gated channel subunit alpha1 F; minus strand). Cytogenetic location: Xp11.23.
Variant type: single nucleotide variant.
Coding change: c.5432C>T on transcript NM_001256789.3 (MANE Select); coding-DNA position 5432, C replaced by T.
Protein change: p.Thr1811Ile; replaces threonine 1811 with isoleucine.
Molecular consequence: missense variant.
Genome position (GRCh38, 1-based): chrX:49,206,551, G>A on the plus strand (C>T on the coding strand, the complement: CACNA1F is on the minus strand). VCF-style: chrX-49206551-G-A. GRCh37 (hg19) VCF-style: chrX-49063012-G-A.
Other names: c.5270C>T, p.Thr1757Ile (NM_001256790.3); c.5465C>T, p.Thr1822Ile (NM_005183.4); short protein forms T1822I, T1757I, T1811I.
Identifiers: ClinVar variation 2799222 (VCV002799222.3), dbSNP rs1557104914, ClinGen allele CA412957770.